The following is an entry in ClinVar:

NM_020752.3(GPR158):c.849T>C (p.Val283=)

Genes: GPR158 (G protein-coupled receptor 158; plus strand), GPR158-AS1 (GPR158 antisense RNA 1; minus strand). Cytogenetic location: 10p12.1.
Variant type: single nucleotide variant.
Coding change: c.849T>C on transcript NM_020752.3 (MANE Select); coding-DNA position 849, T replaced by C.
Protein change: p.Val283=; no amino-acid change (valine 283 retained).
Molecular consequence: synonymous variant. On other transcripts: non-coding transcript variant (1).
Genome position (GRCh38, 1-based): chr10:25,176,269, T>C. VCF-style: chr10-25176269-T-C. GRCh37 (hg19) VCF-style: chr10-25465198-T-C.
Identifiers: ClinVar variation 2640360 (VCV002640360.24), dbSNP rs188462125, ClinGen allele CA5443461.

ClinVar aggregate classification (germline): Likely benign (1 of 4 stars; one submission).

Allele frequency attached by ClinVar (database versions not stated): gnomAD exomes 0.00027; gnomAD 0.00040; TOPMed 0.00059; ExAC 0.00082; 1000 Genomes Project 30x 0.00219; 1000 Genomes Project 0.00240.
gnomAD v4.1: 464 of 1,610,002 alleles (0.029%); highest among the groups gnomAD compares: East Asian, 0.72%; 3 homozygotes.

Submission:

CeGaT Center for Human Genetics Tuebingen
Classification: Likely benign. Last evaluated: 2022-10-01. Review status: criteria provided, single submitter. Criteria: CeGaT Center For Human Genetics Tuebingen Variant Classification Criteria Version 2. Collection method: clinical testing. Allele origin: germline. Affected: yes. Observed: 1 variant allele.
Comment: GPR158: BP4, BP7